The following is an entry in ClinVar:

ClinVar aggregate classification (germline): Uncertain significance (1 of 4 stars; one submission).

Submission:

Labcorp Genetics (formerly Invitae), Labcorp
Classification: Uncertain significance. Last evaluated: 2024-12-02. Review status: criteria provided, single submitter. Criteria: Invitae Variant Classification Sherloc (09022015). Collection method: clinical testing. Allele origin: germline.
Comment: This sequence change replaces serine, which is neutral and polar, with arginine, which is basic and polar, at codon 300 of the RDH5 protein (p.Ser300Arg). This variant is present in population databases (rs769652740, gnomAD 0.006%). This variant has not been reported in the literature in individuals affected with RDH5-related conditions. ClinVar contains an entry for this variant (Variation ID: 1360439). Invitae Evidence Modeling of protein sequence and biophysical properties (such as structural, functional, and spatial information, amino acid conservation, physicochemical variation, residue mobility, and thermodynamic stability) indicates that this missense variant is not expected to disrupt RDH5 protein function with a negative predictive value of 80%. In summary, the available evidence is currently insufficient to determine the role of this variant in disease. Therefore, it has been classified as a Variant of Uncertain Significance.

NM_002905.5(RDH5):c.900C>A (p.Ser300Arg)

Genes: BLOC1S1-RDH5 (BLOC1S1-RDH5 readthrough; plus strand), CD63 (CD63 molecule; minus strand), RDH5 (retinol dehydrogenase 5; plus strand). Cytogenetic location: 12q13.2.
Variant type: single nucleotide variant.
Coding change: c.900C>A on transcript NM_002905.5 (MANE Select); coding-DNA position 900, C replaced by A.
Protein change: p.Ser300Arg; replaces serine 300 with arginine.
Molecular consequence: missense variant. On other transcripts: non-coding transcript variant (1).
Genome position (GRCh38, 1-based): chr12:55,724,488, C>A. VCF-style: chr12-55724488-C-A. GRCh37 (hg19) VCF-style: chr12-56118272-C-A.
Other names: c.900C>A, p.Ser300Arg (NM_001199771.3); short protein forms S300R.
Identifiers: ClinVar variation 1360439 (VCV001360439.6), dbSNP rs769652740, ClinGen allele CA6616984.